The following is an entry in ClinVar:

ClinVar aggregate classification (germline): Likely pathogenic (1 of 4 stars; one submission).

Conditions:
Hereditary spastic paraplegia 64. Also called: ENTPD1-Related Neurodevelopmental Disorder; Spastic paraplegia 64, autosomal recessive. Identifiers: Orphanet 401810, MedGen C3810289, MONDO:0014303, OMIM 615683.

Submission:

3billion
Classification: Likely pathogenic for Hereditary spastic paraplegia 64. Last evaluated: 2023-11-29. Review status: criteria provided, single submitter. Criteria: ACMG Guidelines, 2015. Collection method: clinical testing. Allele origin: germline. Affected: yes.
Comment: The variant is not observed in the gnomAD v2.1.1 dataset. Predicted Consequence/Location: Canonical splice site: predicted to alter splicing and result in a loss or disruption of normal protein function. Multiple pathogenic loss-of-function variants are reported downstream of the variant. In silico tools predict the variant to alter splicing and produce an abnormal transcript [Splice AI: 0.98 (spliceogenicity >=0.2, non-spliceogenicity <0.1)]. Therefore, this variant is classified as Likely pathogenic according to the recommendation of ACMG/AMP guideline.

NM_001776.6(ENTPD1):c.262+1G>T

Genes: ENTPD1 (ectonucleoside triphosphate diphosphohydrolase 1; plus strand), ENTPD1-AS1 (ENTPD1 antisense RNA 1; minus strand). Cytogenetic location: 10q24.1.
Variant type: single nucleotide variant.
Coding change: c.262+1G>T on transcript NM_001776.6 (MANE Select); the canonical splice donor site of the intron after coding-DNA position 262, G replaced by T.
Molecular consequence: splice donor variant. On other transcripts: intron variant (1).
Genome position (GRCh38, 1-based): chr10:95,839,809, G>T. VCF-style: chr10-95839809-G-T. GRCh37 (hg19) VCF-style: chr10-97599566-G-T.
Other names: c.283+1G>T (NM_001098175.2); c.-63+1G>T (NM_001312654.1, NM_001164181.1); c.298+1G>T (NM_001164178.1, NM_001320916.1); c.262+1G>T (NM_001164179.2); c.-2+1G>T (NM_001164182.2); c.-1-4667G>T (NM_001164183.2).
Identifiers: ClinVar variation 3775912 (VCV003775912.1).